The following is an entry in ClinVar:

ClinVar aggregate classification (germline): Likely benign. Review status: criteria provided, multiple submitters, no conflicts (2 of 4 stars). 4 submissions from 4 submitters: Likely benign (4). Last evaluated 2026-07-01.

Conditions:
Cardiovascular phenotype. Identifiers: MedGen CN230736.
Hypercholesterolemia, autosomal dominant, type B (FHCL2). Also called: APOLIPOPROTEIN B-100, FAMILIAL DEFECTIVE; APOLIPOPROTEIN B-100, FAMILIAL LIGAND-DEFECTIVE; Familial Hypercholesterolemia Type B; Familial hypercholesterolemia 2; HYPERCHOLESTEROLEMIA, FAMILIAL, DUE TO LIGAND-DEFECTIVE APOLIPOPROTEIN B; Hyperlipoproteinemia Type IIb. Identifiers: MedGen C1704417, MONDO:0007751, OMIM 144010.
Familial hypobetalipoproteinemia 1. Also called: APOB-Related Familial Hypobetalipoproteinemia; Hypobetalipoproteinemia, normotriglyceridemic; Acanthocytosis with hypobetalipoproteinemia. Identifiers: MedGen C4551990, MONDO:0014252, OMIM 615558.
Familial hypercholesterolemia. Also called: Familial hypercholesterolaemia; Familial hypercholesterolemias. Identifiers: MedGen C0020445, MONDO:0005439.

Allele frequency attached by ClinVar (database versions not stated): gnomAD 0.00001; gnomAD exomes 0.00001; TOPMed 0.00002.
gnomAD v4.1: 10 of 1,613,482 alleles (0.00062%); highest among the groups gnomAD compares: Non-Finnish European, 0.00085%; no homozygotes.

Submissions (4):

CeGaT Center for Human Genetics Tuebingen
Classification: Likely benign. Last evaluated: 2026-07-01. Review status: criteria provided, single submitter. Criteria: CeGaT Center For Human Genetics Tuebingen Variant Classification Criteria Version 2. Collection method: clinical testing. Allele origin: germline. Affected: yes. Observed: 1 variant allele.
Comment: APOB: BP4, BP7

GENinCode PLC
Classification: Likely benign for Familial hypercholesterolemia. Last evaluated: 2025-12-11. Review status: criteria provided, single submitter. Criteria: ACMG Guidelines, 2015. Collection method: clinical testing. Allele origin: germline.
Comment: This is a synonymous (silent) variant that is not predicted to impact splicing and occurs at a nucleotide which is not highly conserved. This variant has been classified as Likely Benign (BP4, BP7).

Labcorp Genetics (formerly Invitae), Labcorp
Classification: Likely benign for Familial hypobetalipoproteinemia 1; Hypercholesterolemia, autosomal dominant, type B. Last evaluated: 2025-08-30. Review status: criteria provided, single submitter. Criteria: Invitae Variant Classification Sherloc (09022015). Collection method: clinical testing. Allele origin: germline.

Ambry Genetics
Classification: Likely benign for Cardiovascular phenotype. Last evaluated: 2021-12-07. Review status: criteria provided, single submitter. Criteria: Ambry Variant Classification Scheme 2023. Collection method: clinical testing. Allele origin: germline.

NM_000384.3(APOB):c.1863A>G (p.Glu621=)

Gene: APOB (apolipoprotein B; minus strand). Cytogenetic location: 2p24.1.
Variant type: single nucleotide variant.
Coding change: c.1863A>G on transcript NM_000384.3 (MANE Select); coding-DNA position 1863, A replaced by G.
Protein change: p.Glu621=; no amino-acid change (glutamic acid 621 retained).
Molecular consequence: synonymous variant.
Genome position (GRCh38, 1-based): chr2:21,028,032, T>C on the plus strand (A>G on the coding strand, the complement: APOB is on the minus strand). VCF-style: chr2-21028032-T-C. GRCh37 (hg19) VCF-style: chr2-21250904-T-C.
Identifiers: ClinVar variation 918208 (VCV000918208.14), dbSNP rs951466879, ClinGen allele CA43523851.